The following is an entry in ClinVar:

NM_001267550.2(TTN):c.105906A>T (p.Lys35302Asn)

Genes: TTN-AS1 (TTN antisense RNA 1; plus strand), TTN (titin; minus strand), LOC129935183 (ATAC-STARR-seq lymphoblastoid active region 16808; plus strand). Cytogenetic location: 2q31.2.
Variant type: single nucleotide variant.
Coding change: c.105906A>T on transcript NM_001267550.2 (MANE Select); coding-DNA position 105906, A replaced by T.
Protein change: p.Lys35302Asn; replaces lysine 35302 with asparagine.
Molecular consequence: missense variant.
Genome position (GRCh38, 1-based): chr2:178,530,709, T>A on the plus strand (A>T on the coding strand, the complement: TTN is on the minus strand). VCF-style: chr2-178530709-T-A. GRCh37 (hg19) VCF-style: chr2-179395436-T-A.
Other names: c.100983A>T, p.Lys33661Asn (NM_001256850.1); c.78711A>T, p.Lys26237Asn (NM_003319.4); c.98202A>T, p.Lys32734Asn (NM_133378.4); c.79086A>T, p.Lys26362Asn (NM_133432.3); c.79287A>T, p.Lys26429Asn (NM_133437.4); short protein forms K26237N, K26362N, K26429N, K32734N, K33661N, K35302N.
Identifiers: ClinVar variation 3759627 (VCV003759627.2).
Genomic context (GRCh38, chr2:178,530,709, plus strand): 5'-ATCTTTATACCAGGTGACCTCTTTTGCCCTTAATACACTGCTTTCAACCACACAGGTCAG[T>A]TTTGCAATCTCTTTAGAAGCTTCTGCTTTCAGGAACTGAGTAATCTTTGGTGGGGCAGAG-3'
Protein context (NP_001254479.2, residues 35292-35312): LKAEASKEIA[Lys35302Asn]LTCVVESSVL

ClinVar aggregate classification (germline): Uncertain significance (1 of 4 stars; one submission).

Conditions:
Dilated cardiomyopathy 1G (CMD1G). Identifiers: Orphanet 154, MedGen C1858763, MONDO:0011400, OMIM 604145.
Autosomal recessive limb-girdle muscular dystrophy type 2J (LGMDR10). Also called: Limb-girdle muscular dystrophy, type 2J; MUSCULAR DYSTROPHY, LIMB-GIRDLE, AUTOSOMAL RECESSIVE 10. Identifiers: Orphanet 140922, MedGen C1837342, MONDO:0012127, OMIM 608807.

gnomAD v4.1: 1 of 1,613,952 alleles (0.000062%); highest among the groups gnomAD compares: African/African-American, 0.0013%; no homozygotes.

Submission:

Labcorp Genetics (formerly Invitae), Labcorp
Classification: Uncertain significance for Dilated cardiomyopathy 1G; Autosomal recessive limb-girdle muscular dystrophy type 2J. Last evaluated: 2024-10-30. Review status: criteria provided, single submitter. Criteria: Invitae Variant Classification Sherloc (09022015). Collection method: clinical testing. Allele origin: germline.
Comment: This sequence change replaces lysine, which is basic and polar, with asparagine, which is neutral and polar, at codon 35302 of the TTN protein (p.Lys35302Asn). This variant is not present in population databases (gnomAD no frequency). This variant has not been reported in the literature in individuals affected with TTN-related conditions. Experimental studies and prediction algorithms are not available or were not evaluated, and the functional significance of this variant is currently unknown. This variant is located in the M band of TTN (PMID: 25589632). Non-truncating variants in this region may be relevant for neuromuscular disorders, but have not been definitively shown to cause cardiomyopathy (PMID: 23975875). In summary, the available evidence is currently insufficient to determine the role of this variant in disease. Therefore, it has been classified as a Variant of Uncertain Significance.

Literature cited by the submitters: PubMed 25589632; PubMed 23975875.